The following is an entry in ClinVar:

ClinVar aggregate classification (germline): Uncertain significance (1 of 4 stars; one submission).

Allele frequency attached by ClinVar (database versions not stated): gnomAD exomes below 0.00001.

Submission:

Labcorp Genetics (formerly Invitae), Labcorp
Classification: Uncertain significance. Last evaluated: 2023-12-21. Review status: criteria provided, single submitter. Criteria: Invitae Variant Classification Sherloc (09022015). Collection method: clinical testing. Allele origin: germline.
Comment: This sequence change replaces glycine, which is neutral and non-polar, with aspartic acid, which is acidic and polar, at codon 285 of the KLF1 protein (p.Gly285Asp). This variant is not present in population databases (gnomAD no frequency). This variant has not been reported in the literature in individuals affected with KLF1-related conditions. Advanced modeling of protein sequence and biophysical properties (such as structural, functional, and spatial information, amino acid conservation, physicochemical variation, residue mobility, and thermodynamic stability) performed at Invitae indicates that this missense variant is expected to disrupt KLF1 protein function with a positive predictive value of 80%. In summary, the available evidence is currently insufficient to determine the role of this variant in disease. Therefore, it has been classified as a Variant of Uncertain Significance.

NM_006563.5(KLF1):c.854G>A (p.Gly285Asp)

Genes: KLF1 (KLF transcription factor 1; minus strand), LOC117125591 (CRISPRi-FlowFISH-validated PRDX2 and RAD23A regulatory element; plus strand). Cytogenetic location: 19p13.13.
Variant type: single nucleotide variant.
Coding change: c.854G>A on transcript NM_006563.5 (MANE Select); coding-DNA position 854, G replaced by A.
Protein change: p.Gly285Asp; replaces glycine 285 with aspartic acid.
Molecular consequence: missense variant.
Genome position (GRCh38, 1-based): chr19:12,885,376, C>T on the plus strand (G>A on the coding strand, the complement: KLF1 is on the minus strand). VCF-style: chr19-12885376-C-T. GRCh37 (hg19) VCF-style: chr19-12996190-C-T.
Other names: short protein forms G285D.
Identifiers: ClinVar variation 2836125 (VCV002836125.3), dbSNP rs1293678069, ClinGen allele CA404307239.